The following is an entry in ClinVar:

ClinVar aggregate classification (germline): Uncertain significance. Review status: criteria provided, single submitter (1 of 4 stars). 2 submissions from 2 submitters: Uncertain significance (1). 1 of the submissions does not count toward it. Last evaluated 2024-04-06.

Conditions:
Alstrom syndrome (ALMS). Identifiers: Orphanet 64, MedGen C0268425, MONDO:0008763, OMIM 203800.

Allele frequency attached by ClinVar (database versions not stated): ExAC 0.00001; gnomAD exomes 0.00001 and 0.00002.
gnomAD v4.1: 6 of 1,614,206 alleles (0.00037%); highest among the groups gnomAD compares: Admixed American, 0.0083%; no homozygotes.

Submissions (2):

Labcorp Genetics (formerly Invitae), Labcorp
Classification: Uncertain significance for Alstrom syndrome. Last evaluated: 2024-04-06. Review status: criteria provided, single submitter. Criteria: Invitae Variant Classification Sherloc (09022015). Collection method: clinical testing. Allele origin: germline.
Comment: This sequence change replaces histidine, which is basic and polar, with arginine, which is basic and polar, at codon 3333 of the ALMS1 protein (p.His3333Arg). This variant is present in population databases (rs777406837, gnomAD 0.01%). This variant has not been reported in the literature in individuals affected with ALMS1-related conditions. ClinVar contains an entry for this variant (Variation ID: 990703). Experimental studies and prediction algorithms are not available or were not evaluated, and the functional significance of this variant is currently unknown. In summary, the available evidence is currently insufficient to determine the role of this variant in disease. Therefore, it has been classified as a Variant of Uncertain Significance.

Natera, Inc.
Classification: Uncertain significance for Alstrom syndrome. Last evaluated: 2020-08-13. Review status: no assertion criteria provided. Collection method: clinical testing. Allele origin: germline. Not counted in ClinVar's aggregate classification.

NM_001378454.1(ALMS1):c.9995A>G (p.His3332Arg)

Gene: ALMS1 (ALMS1 centrosome and basal body associated protein; plus strand). Cytogenetic location: 2p13.1.
Variant type: single nucleotide variant.
Coding change: c.9995A>G on transcript NM_001378454.1 (MANE Select); coding-DNA position 9995, A replaced by G.
Protein change: p.His3332Arg; replaces histidine 3332 with arginine.
Molecular consequence: missense variant.
Genome position (GRCh38, 1-based): chr2:73,550,354, A>G. VCF-style: chr2-73550354-A-G. GRCh37 (hg19) VCF-style: chr2-73777481-A-G.
Other names: c.9998A>G, p.His3333Arg (NM_015120.4); short protein forms H3332R, H3333R.
Identifiers: ClinVar variation 990703 (VCV000990703.8), dbSNP rs777406837, ClinGen allele CA1714846.